The following is an entry in ClinVar:

ClinVar aggregate classification (germline): Uncertain significance (1 of 4 stars; one submission).

Conditions:
Actin accumulation myopathy (CMYO2A). Also called: Myopathy, actin, congenital, with cores; Nemaline myopathy 3, with intranuclear rods; Nemaline myopathy type 3; Myopathy, actin, congenital, with excess of thin myofilaments; CONGENITAL MYOPATHY 2A, TYPICAL, AUTOSOMAL DOMINANT. Identifiers: Orphanet 98904, MedGen C3711389, MONDO:0008070, OMIM 161800.

Submission:

Labcorp Genetics (formerly Invitae), Labcorp
Classification: Uncertain significance for Actin accumulation myopathy. Last evaluated: 2025-07-06. Review status: criteria provided, single submitter. Criteria: Invitae Variant Classification Sherloc (09022015). Collection method: clinical testing. Allele origin: germline.
Comment: This variant, c.709_711del, results in the deletion of 1 amino acid(s) of the ACTA1 protein (p.Ser237del), but otherwise preserves the integrity of the reading frame. This variant is not present in population databases (gnomAD no frequency). This variant has not been reported in the literature in individuals affected with ACTA1-related conditions. Experimental studies and prediction algorithms are not available or were not evaluated, and the functional significance of this variant is currently unknown. In summary, the available evidence is currently insufficient to determine the role of this variant in disease. Therefore, it has been classified as a Variant of Uncertain Significance.

NM_001100.4(ACTA1):c.700TCC[3] (p.Ser237del)

Gene: ACTA1 (actin alpha 1, skeletal muscle; minus strand). Cytogenetic location: 1q42.13.
Variant type: Microsatellite.
Coding change: c.700TCC[3] on transcript NM_001100.4 (MANE Select); three copies in a row of the 3-base unit TCC starting at c.700; the reference has four copies in a row; one copy, 3 bases deleted.
Protein change: p.Ser237del; deletes serine 237.
Genome position (GRCh38, 1-based): chr1:229,432,091-229,432,093, GGA deleted on the plus strand (TCC on the coding strand, the reverse complement: ACTA1 is on the minus strand); deleting any 3 consecutive bases within chr1:229,432,091-229,432,104 gives the same sequence; the position shown is the placement nearest the transcript's 3' end. VCF-style (leftmost placement, unchanged base first): chr1-229432090-GGGA-G. GRCh37 (hg19) VCF-style: chr1-229567837-GGGA-G.
Other names: short protein forms S237del.
Identifiers: ClinVar variation 4775820 (VCV004775820.1).
Genomic context (GRCh38, chr1:229,432,090, plus strand): 5'-GGAAGCGCTCGTTGCCGATGGTGATGACCTGCCCGTCTGGCAGCTCGTAGCTCTTTTCCA[GGGA>G]GGAGGAGGAGGCGGCCGTCGCCATCTCGTTCTCGAAGTCCAGGGCCACGTAGCACAGCTT-3'